The following is an entry in ClinVar:

ClinVar aggregate classification (germline): Benign/Likely benign. Review status: criteria provided, multiple submitters, no conflicts (2 of 4 stars). 3 submissions from 3 submitters: Benign (2); Likely benign (1). Last evaluated 2024-01-01.

Allele frequency attached by ClinVar (database versions not stated): gnomAD exomes 0.00055 and 0.00106; gnomAD 0.00326 and 0.00333; 1000 Genomes Project 0.00359; 1000 Genomes Project 30x 0.00250; ESP Exome Variant Server 0.00297; ExAC 0.00118.
gnomAD v4.1: 1,170 of 1,379,912 alleles (0.085%); highest among the groups gnomAD compares: African/African-American, 1.1%; 199 homozygotes.

Submissions (3):

CeGaT Center for Human Genetics Tuebingen
Classification: Likely benign. Last evaluated: 2024-01-01. Review status: criteria provided, single submitter. Criteria: CeGaT Center For Human Genetics Tuebingen Variant Classification Criteria Version 2. Collection method: clinical testing. Allele origin: germline. Affected: yes. Observed: 2 variant alleles.
Comment: RHD: BP4, BP7, BS2

Labcorp Genetics (formerly Invitae), Labcorp
Classification: Benign. Last evaluated: 2018-08-21. Review status: criteria provided, single submitter. Criteria: Invitae Variant Classification Sherloc (09022015). Collection method: clinical testing. Allele origin: germline.

Breakthrough Genomics
Classification: Benign. Review status: criteria provided, single submitter. Criteria: ACMG Guidelines, 2015. Collection method: not provided. Allele origin: germline. Inheritance: Unknown mechanism. Affected: yes.

NM_016124.6(RHD):c.744C>T (p.Ser248=)

Genes: RHD (Rh blood group D antigen; plus strand), RSRP1 (arginine and serine rich protein 1; minus strand). Cytogenetic location: 1p36.11.
Variant type: single nucleotide variant.
Coding change: c.744C>T on transcript NM_016124.6 (MANE Select); coding-DNA position 744, C replaced by T.
Protein change: p.Ser248=; no amino-acid change (serine 248 retained).
Molecular consequence: synonymous variant. On other transcripts: intron variant (1).
Genome position (GRCh38, 1-based): chr1:25,301,629, C>T. VCF-style: chr1-25301629-C-T. GRCh37 (hg19) VCF-style: chr1-25628120-C-T.
Other names: c.744C>T, p.Ser248= (NM_001127691.3, NM_001282868.1, NM_001282869.2 and 3 more transcripts); c.246C>T, p.Ser82= (NM_001282867.1); c.-67+35411G>A (NM_001321772.2).
Identifiers: ClinVar variation 242595 (VCV000242595.29), dbSNP rs1053362, ClinGen allele CA354100.